The following is an entry in ClinVar:

ClinVar aggregate classification (germline): Benign/Likely benign. Review status: criteria provided, multiple submitters, no conflicts (2 of 4 stars). 3 submissions from 3 submitters: Benign (1); Likely benign (2). Last evaluated 2021-04-29.

Conditions:
Aicardi-Goutieres syndrome 2. Identifiers: Orphanet 51, MedGen C3489724, MONDO:0012429, OMIM 610181.

Allele frequency attached by ClinVar (database versions not stated): gnomAD exomes 0.02620; 1000 Genomes Project 30x 0.02608; 1000 Genomes Project 0.02616; gnomAD 0.02967 and 0.02962; TOPMed 0.02791.
gnomAD v4.1: 11,821 of 433,218 alleles (2.7%); highest among the groups gnomAD compares: South Asian, 4.9%; 203 homozygotes.

Submissions (3):

GeneDx
Classification: Likely benign. Last evaluated: 2021-04-29. Review status: criteria provided, single submitter. Criteria: GeneDx Variant Classification Process June 2021. Collection method: clinical testing. Allele origin: germline. Affected: yes.

Illumina Laboratory Services, Illumina
Classification: Benign for Aicardi-Goutieres syndrome 2. Last evaluated: 2018-01-13. Review status: criteria provided, single submitter. Criteria: ICSL Variant Classification Criteria 13 December 2019. Collection method: clinical testing. Allele origin: germline.
Comment: This variant was observed in the ICSL laboratory as part of a predisposition screen in an ostensibly healthy population. It had not been previously curated by ICSL or reported in the Human Gene Mutation Database (HGMD: prior to June 1st, 2018), and was therefore a candidate for classification through an automated scoring system. Utilizing variant allele frequency, disease prevalence and penetrance estimates, and inheritance mode, an automated score was calculated to assess if this variant is too frequent to cause the disease. Based on the score and internal cut-off values, a variant classified as benign is not then subjected to further curation. The score for this variant resulted in a classification of benign for this disease.

Breakthrough Genomics
Classification: Likely benign. Review status: criteria provided, single submitter. Criteria: ACMG Guidelines, 2015. Collection method: not provided. Allele origin: germline. Inheritance: Autosomal recessive inheritance. Affected: yes.

NM_024570.4(RNASEH2B):c.-210G>C

Genes: RNASEH2B (ribonuclease H2 subunit B; plus strand), RNASEH2B-AS1 (RNASEH2B antisense RNA 1; minus strand), LOC130009809 (ATAC-STARR-seq lymphoblastoid silent region 5361; plus strand). Cytogenetic location: 13q14.3.
Variant type: single nucleotide variant.
Coding change: c.-210G>C on transcript NM_024570.4 (MANE Select); 210 bases upstream of the start codon, G replaced by C.
Molecular consequence: 5 prime UTR variant.
Genome position (GRCh38, 1-based): chr13:50,909,867, G>C. VCF-style: chr13-50909867-G-C. GRCh37 (hg19) VCF-style: chr13-51484003-G-C.
Other names: c.-210G>C (NM_001142279.2).
Identifiers: ClinVar variation 312324 (VCV000312324.7), dbSNP rs112702177, ClinGen allele CA10634455.